The following is an entry in ClinVar:

ClinVar aggregate classification (germline): Uncertain significance (1 of 4 stars; one submission).

Conditions:
Inborn genetic diseases. Identifiers: MedGen C0950123, MeSH D030342.

gnomAD v4.1: 3 of 1,614,000 alleles (0.00019%); highest among the groups gnomAD compares: South Asian, 0.0022%; no homozygotes.

Submission:

Ambry Genetics
Classification: Uncertain significance for Inborn genetic diseases. Last evaluated: 2026-03-14. Review status: criteria provided, single submitter. Criteria: Ambry Variant Classification Scheme 2023. Collection method: clinical testing. Allele origin: germline.
Comment: The p.Y509C variant (also known as c.1526A>G), located in coding exon 1 of the SAMD9L gene, results from an A to G substitution at nucleotide position 1526. The tyrosine at codon 509 is replaced by cysteine, an amino acid with highly dissimilar properties. This amino acid position is conserved. In addition, this alteration is predicted to be tolerated by in silico analysis. Based on the available evidence, the clinical significance of this variant remains unclear.

NM_152703.5(SAMD9L):c.1526A>G (p.Tyr509Cys)

Gene: SAMD9L (sterile alpha motif domain containing 9 like; minus strand). Cytogenetic location: 7q21.2.
Variant type: single nucleotide variant.
Coding change: c.1526A>G on transcript NM_152703.5 (MANE Select); coding-DNA position 1526, A replaced by G.
Protein change: p.Tyr509Cys; replaces tyrosine 509 with cysteine.
Molecular consequence: missense variant.
Genome position (GRCh38, 1-based): chr7:93,134,446, T>C on the plus strand (A>G on the coding strand, the complement: SAMD9L is on the minus strand). VCF-style: chr7-93134446-T-C. GRCh37 (hg19) VCF-style: chr7-92763759-T-C.
Other names: c.1526A>G, p.Tyr509Cys (NM_001303496.3, NM_001303497.3, NM_001303498.3 and 5 more transcripts); short protein forms Y509C.
Identifiers: ClinVar variation 4826200 (VCV004826200.1).